The following is an entry in ClinVar:

NM_001355436.2(SPTB):c.1341+1G>A

Gene: SPTB (spectrin beta, erythrocytic; minus strand). Cytogenetic location: 14q23.3.
Variant type: single nucleotide variant.
Coding change: c.1341+1G>A on transcript NM_001355436.2 (MANE Select); the canonical splice donor site of the intron after coding-DNA position 1341, G replaced by A.
Molecular consequence: splice donor variant.
Genome position (GRCh38, 1-based): chr14:64,796,556, C>T on the plus strand (G>A on the coding strand, the complement: SPTB is on the minus strand). VCF-style: chr14-64796556-C-T. GRCh37 (hg19) VCF-style: chr14-65263274-C-T.
Other names: c.1341+1G>A (NM_001024858.4, NM_001355437.2).
Identifiers: ClinVar variation 2433969 (VCV002433969.4), dbSNP rs2503180145, ClinGen allele CA390024581.

ClinVar aggregate classification (germline): Likely pathogenic. Review status: criteria provided, multiple submitters, no conflicts (2 of 4 stars). 2 submissions from 2 submitters: Likely pathogenic (2). Last evaluated 2025-04-09.

Submissions (2):

ARUP Laboratories, Molecular Genetics and Genomics, ARUP Laboratories
Classification: Likely pathogenic. Last evaluated: 2025-04-09. Review status: criteria provided, single submitter. Criteria: ARUP Molecular Germline Variant Investigation Process 2024. Collection method: clinical testing. Allele origin: germline.
Comment: The SPTB c.1341+1G>A variant, to our knowledge, is not reported in the medical literature but is reported in ClinVar (Variation ID: 2433969). This variant is also absent from the Genome Aggregation Database (v2.1.1), indicating it is not a common polymorphism. This variant disrupts the canonical splice donor site of intron 11, which is likely to negatively impact gene function. Based on available information, this variant is considered to be likely pathogenic.

Revvity Omics, Revvity
Classification: Likely pathogenic. Last evaluated: 2022-06-21. Review status: criteria provided, single submitter. Criteria: ACMG Guidelines, 2015. Collection method: clinical testing. Allele origin: germline.